The following is an entry in ClinVar:

NM_001283009.2(RTEL1):c.56A>G (p.Lys19Arg)

Genes: RTEL1 (regulator of telomere elongation helicase 1; plus strand), RTEL1-TNFRSF6B (RTEL1-TNFRSF6B readthrough (NMD candidate); plus strand). Cytogenetic location: 20q13.33.
Variant type: single nucleotide variant.
Coding change: c.56A>G on transcript NM_001283009.2 (MANE Select); coding-DNA position 56, A replaced by G.
Protein change: p.Lys19Arg; replaces lysine 19 with arginine.
Molecular consequence: missense variant. On other transcripts: non-coding transcript variant (1), intron variant (1).
Genome position (GRCh38, 1-based): chr20:63,659,458, A>G. VCF-style: chr20-63659458-A-G. GRCh37 (hg19) VCF-style: chr20-62290811-A-G.
Other names: c.56A>G (NM_032957.4); c.56A>G, p.Lys19Arg (NM_016434.4, NM_032957.5); c.-568+999A>G (NM_001283010.1); short protein forms K19R.
Identifiers: ClinVar variation 1422913 (VCV001422913.4), dbSNP rs2146141516, ClinGen allele CA409657506.

ClinVar aggregate classification (germline): Uncertain significance. Review status: criteria provided, multiple submitters, no conflicts (2 of 4 stars). 2 submissions from 2 submitters: Uncertain significance (2). Last evaluated 2025-08-26.

Conditions:
Dyskeratosis congenita, autosomal recessive 5 (DKCB5). Identifiers: MedGen C3554656, MONDO:0014076, OMIM 615190.
Pulmonary fibrosis and/or bone marrow failure, Telomere-related, 3. Also called: PULMONARY FIBROSIS AND/OR BONE MARROW FAILURE SYNDROME, TELOMERE-RELATED, 3. Identifiers: Orphanet 2032, MedGen C4225346, MONDO:0014613, OMIM 616373.
Inborn genetic diseases. Identifiers: MedGen C0950123, MeSH D030342.

Allele frequency attached by ClinVar (database versions not stated): gnomAD exomes below 0.00001.
gnomAD v4.1: 1 of 1,614,174 alleles (0.000062%); highest among the groups gnomAD compares: East Asian, 0.0022%; no homozygotes.

Submissions (2):

Ambry Genetics
Classification: Uncertain significance for Inborn genetic diseases. Last evaluated: 2025-08-26. Review status: criteria provided, single submitter. Criteria: Ambry Variant Classification Scheme 2023. Collection method: clinical testing. Allele origin: germline.

Labcorp Genetics (formerly Invitae), Labcorp
Classification: Uncertain significance for Dyskeratosis congenita, autosomal recessive 5; Pulmonary fibrosis and/or bone marrow failure, Telomere-related, 3. Last evaluated: 2021-08-12. Review status: criteria provided, single submitter. Criteria: Invitae Variant Classification Sherloc (09022015). Collection method: clinical testing. Allele origin: germline.
Comment: This sequence change replaces lysine with arginine at codon 19 of the RTEL1 protein (p.Lys19Arg). The lysine residue is weakly conserved and there is a small physicochemical difference between lysine and arginine. This variant is not present in population databases (ExAC no frequency). This variant has not been reported in the literature in individuals affected with RTEL1-related conditions. Algorithms developed to predict the effect of missense changes on protein structure and function output the following: SIFT: "Tolerated"; PolyPhen-2: "Benign"; Align-GVGD: "Class C0". The arginine amino acid residue is found in multiple mammalian species, which suggests that this missense change does not adversely affect protein function. Algorithms developed to predict the effect of sequence changes on RNA splicing suggest that this variant may create or strengthen a splice site. In summary, the available evidence is currently insufficient to determine the role of this variant in disease. Therefore, it has been classified as a Variant of Uncertain Significance.